The following is an entry in ClinVar:

NM_001098.3(ACO2):c.2215A>C (p.Lys739Gln)

Genes: ACO2 (aconitase 2; plus strand), POLR3H (RNA polymerase III subunit H; minus strand). Cytogenetic location: 22q13.2.
Variant type: single nucleotide variant.
Coding change: c.2215A>C on transcript NM_001098.3 (MANE Select); coding-DNA position 2215, A replaced by C.
Protein change: p.Lys739Gln; replaces lysine 739 with glutamine.
Molecular consequence: missense variant. On other transcripts: 3 prime UTR variant (5).
Genome position (GRCh38, 1-based): chr22:41,528,485, A>C. VCF-style: chr22-41528485-A-C. GRCh37 (hg19) VCF-style: chr22-41924489-A-C.
Other names: c.*798T>G (NM_001018050.4, NM_001018052.4, NM_001282884.2 and 2 more transcripts); short protein forms K739Q.
Identifiers: ClinVar variation 1376182 (VCV001376182.6), dbSNP rs1439458290, ClinGen allele CA411729524.

ClinVar aggregate classification (germline): Uncertain significance (1 of 4 stars; one submission).

Allele frequency attached by ClinVar (database versions not stated): gnomAD exomes below 0.00001 and 0.00001.
gnomAD v4.1: 4 of 1,612,200 alleles (0.00025%); highest among the groups gnomAD compares: Admixed American, 0.0017%; no homozygotes.

Submission:

Labcorp Genetics (formerly Invitae), Labcorp
Classification: Uncertain significance. Last evaluated: 2022-10-05. Review status: criteria provided, single submitter. Criteria: Invitae Variant Classification Sherloc (09022015). Collection method: clinical testing. Allele origin: germline.
Comment: This variant has not been reported in the literature in individuals affected with ACO2-related conditions. This sequence change replaces lysine, which is basic and polar, with glutamine, which is neutral and polar, at codon 739 of the ACO2 protein (p.Lys739Gln). This variant is present in population databases (no rsID available, gnomAD 0.003%). ClinVar contains an entry for this variant (Variation ID: 1376182). Advanced modeling of protein sequence and biophysical properties (such as structural, functional, and spatial information, amino acid conservation, physicochemical variation, residue mobility, and thermodynamic stability) performed at Invitae indicates that this missense variant is not expected to disrupt ACO2 protein function. In summary, the available evidence is currently insufficient to determine the role of this variant in disease. Therefore, it has been classified as a Variant of Uncertain Significance.